The following is an entry in ClinVar:

ClinVar aggregate classification (germline): Likely benign (1 of 4 stars; one submission).

Conditions:
FDFT1-related disorder. Also called: FDFT1-related condition.

Submission:

PreventionGenetics, part of Exact Sciences
Classification: Likely benign for FDFT1-related condition. Last evaluated: 2025-02-20. Review status: criteria provided, single submitter. Criteria: ACMG Guidelines, 2015. Collection method: clinical testing. Allele origin: germline.
Comment: This variant is classified as likely benign based on ACMG/AMP sequence variant interpretation guidelines (Richards et al. 2015 PMID: 25741868, with internal and published modifications).

NM_004462.5(FDFT1):c.100-84TCCCAC[12]

Gene: FDFT1 (farnesyl-diphosphate farnesyltransferase 1). Cytogenetic location: 8p23.1.
Variant type: Microsatellite.
Coding change: c.100-84TCCCAC[12] on transcript NM_004462.5 (MANE Select); 12 copies in a row of the 6-base unit TCCCAC starting at c.100-84.
Molecular consequence: intron variant. On other transcripts: inframe insertion (1).
Genome position: GRCh38, VCF-style position (the base before the change): chr8:11,808,709. GRCh37 (hg19), VCF-style position (the base before the change): chr8:11,666,218.
Other names: c.196CACTCC[12], p.Ser77_Cys78insHisSerHisSerHisSerHisSerHisSerHisSer (NM_001287750.2); c.100-84TCCCAC[12] (NM_001287742.2, NM_001287743.2); c.-93-84TCCCAC[12] (NM_001287744.2, NM_001287745.2, NM_001287747.2 and 2 more transcripts); c.64+5800TCCCAC[12] (NM_001287756.2).
Identifiers: ClinVar variation 4981054 (VCV004981054.1).